The following is an entry in ClinVar:

NM_007373.4(SHOC2):c.183A>T (p.Gln61His)

Gene: SHOC2 (SHOC2 leucine rich repeat scaffold protein; plus strand). Cytogenetic location: 10q25.2.
Variant type: single nucleotide variant.
Coding change: c.183A>T on transcript NM_007373.4 (MANE Select); coding-DNA position 183, A replaced by T.
Protein change: p.Gln61His; replaces glutamine 61 with histidine.
Molecular consequence: missense variant.
Genome position (GRCh38, 1-based): chr10:110,964,541, A>T. VCF-style: chr10-110964541-A-T. GRCh37 (hg19) VCF-style: chr10-112724299-A-T.
Other names: c.183A>T, p.Gln61His (NM_001269039.3, NM_001324336.2, NM_001324337.2); short protein forms Q61H.
Identifiers: ClinVar variation 2696509 (VCV002696509.3), dbSNP rs371640183, ClinGen allele CA378382222.

ClinVar aggregate classification (germline): Uncertain significance (1 of 4 stars; one submission).

Conditions:
RASopathy. Also called: Noonan spectrum disorder; rasopathies. Identifiers: Orphanet 536391, MedGen C5555857, MONDO:0021060.

Submission:

Labcorp Genetics (formerly Invitae), Labcorp
Classification: Uncertain significance for RASopathy. Last evaluated: 2023-11-17. Review status: criteria provided, single submitter. Criteria: Invitae Variant Classification Sherloc (09022015). Collection method: clinical testing. Allele origin: germline.
Comment: This sequence change replaces glutamine, which is neutral and polar, with histidine, which is basic and polar, at codon 61 of the SHOC2 protein (p.Gln61His). This variant is not present in population databases (gnomAD no frequency). This variant has not been reported in the literature in individuals affected with SHOC2-related conditions. Advanced modeling of protein sequence and biophysical properties (such as structural, functional, and spatial information, amino acid conservation, physicochemical variation, residue mobility, and thermodynamic stability) performed at Invitae indicates that this missense variant is not expected to disrupt SHOC2 protein function with a negative predictive value of 80%. In summary, the available evidence is currently insufficient to determine the role of this variant in disease. Therefore, it has been classified as a Variant of Uncertain Significance.